The following is an entry in ClinVar:

NM_014264.5(PLK4):c.702G>T (p.Leu234Phe)

Gene: PLK4 (polo like kinase 4; plus strand). Cytogenetic location: 4q28.1.
Variant type: single nucleotide variant.
Coding change: c.702G>T on transcript NM_014264.5 (MANE Select); coding-DNA position 702, G replaced by T.
Protein change: p.Leu234Phe; replaces leucine 234 with phenylalanine.
Molecular consequence: missense variant.
Genome position (GRCh38, 1-based): chr4:127,886,072, G>T. VCF-style: chr4-127886072-G-T. GRCh37 (hg19) VCF-style: chr4-128807227-G-T.
Other names: c.606G>T, p.Leu202Phe (NM_001190799.2); c.579G>T, p.Leu193Phe (NM_001190801.2); short protein forms L193F, L202F, L234F.
Identifiers: ClinVar variation 1019109 (VCV001019109.5), dbSNP rs778024408, ClinGen allele CA3076617.

ClinVar aggregate classification (germline): Uncertain significance (1 of 4 stars; one submission).

Allele frequency attached by ClinVar (database versions not stated): gnomAD 0.00001 and 0.00003.
gnomAD v4.1: 14 of 1,614,106 alleles (0.00087%); highest among the groups gnomAD compares: South Asian, 0.0055%; no homozygotes.

Submission:

Labcorp Genetics (formerly Invitae), Labcorp
Classification: Uncertain significance. Last evaluated: 2024-11-18. Review status: criteria provided, single submitter. Criteria: Invitae Variant Classification Sherloc (09022015). Collection method: clinical testing. Allele origin: germline.
Comment: This sequence change replaces leucine, which is neutral and non-polar, with phenylalanine, which is neutral and non-polar, at codon 234 of the PLK4 protein (p.Leu234Phe). This variant is present in population databases (rs778024408, gnomAD 0.006%). This variant has not been reported in the literature in individuals affected with PLK4-related conditions. ClinVar contains an entry for this variant (Variation ID: 1019109). An algorithm developed to predict the effect of missense changes on protein structure and function (PolyPhen-2) suggests that this variant is likely to be disruptive. In summary, the available evidence is currently insufficient to determine the role of this variant in disease. Therefore, it has been classified as a Variant of Uncertain Significance.